The following is an entry in ClinVar:

NM_002474.3(MYH11):c.2203G>A (p.Ala735Thr)

Gene: MYH11 (myosin heavy chain 11; minus strand). Cytogenetic location: 16p13.11.
Variant type: single nucleotide variant.
Coding change: c.2203G>A on transcript NM_002474.3 (MANE Select); coding-DNA position 2203, G replaced by A.
Protein change: p.Ala735Thr; replaces alanine 735 with threonine.
Molecular consequence: missense variant.
Genome position (GRCh38, 1-based): chr16:15,747,921, C>T on the plus strand (G>A on the coding strand, the complement: MYH11 is on the minus strand). VCF-style: chr16-15747921-C-T. GRCh37 (hg19) VCF-style: chr16-15841778-C-T.
Other names: c.2224G>A, p.Ala742Thr (NM_001040113.2, NM_001040114.2); c.2203G>A, p.Ala735Thr (NM_022844.3); short protein forms A742T, A735T.
Identifiers: ClinVar variation 2741714 (VCV002741714.4), dbSNP rs746659820, ClinGen allele CA7922350.

ClinVar aggregate classification (germline): Conflicting classifications of pathogenicity. Review status: criteria provided, conflicting classifications (1 of 4 stars). 2 submissions from 2 submitters: Uncertain significance (1); Likely benign (1). Last evaluated 2024-07-23.

Conditions:
Aortic aneurysm, familial thoracic 4 (AAT4). Also called: AORTIC ANEURYSM/AORTIC DISSECTION AND PATENT DUCTUS ARTERIOSUS. Identifiers: MedGen C1851504, MONDO:0007568, OMIM 132900.

Allele frequency attached by ClinVar (database versions not stated): gnomAD exomes 0.00001; ExAC 0.00002.

Submissions (2):

Women's Health and Genetics/Laboratory Corporation of America, LabCorp
Classification: Uncertain significance. Last evaluated: 2024-07-23. Review status: criteria provided, single submitter. Criteria: LabCorp Variant Classification Summary - May 2015. Collection method: clinical testing. Allele origin: germline.
Comment: Variant summary: MYH11 c.2224G>A (p.Ala742Thr) results in a non-conservative amino acid change located in the Myosin head, motor domain (IPR001609) of the encoded protein sequence. Four of five in-silico tools predict a damaging effect of the variant on protein function. The variant allele was found at a frequency of 2e-05 in 251482 control chromosomes in the gnomAD database, including 1 homozygote. The available data on variant occurrences in the general population are insufficient to allow any conclusion about variant significance. To our knowledge, no occurrence of c.2224G>A in individuals affected with Aortopathy and no experimental evidence demonstrating its impact on protein function have been reported. ClinVar contains an entry for this variant (Variation ID: 2741714). Based on the evidence outlined above, the variant was classified as uncertain significance.

Labcorp Genetics (formerly Invitae), Labcorp
Classification: Likely benign for Aortic aneurysm, familial thoracic 4. Last evaluated: 2024-05-14. Review status: criteria provided, single submitter. Criteria: Invitae Variant Classification Sherloc (09022015). Collection method: clinical testing. Allele origin: germline.